The following is an entry in ClinVar:

NM_015021.3(ZNF292):c.3807T>C (p.Ser1269=)

Gene: ZNF292 (zinc finger protein 292; plus strand). Cytogenetic location: 6q14.3.
Variant type: single nucleotide variant.
Coding change: c.3807T>C on transcript NM_015021.3 (MANE Select); coding-DNA position 3807, T replaced by C.
Protein change: p.Ser1269=; no amino-acid change (serine 1269 retained).
Molecular consequence: synonymous variant.
Genome position (GRCh38, 1-based): chr6:87,257,436, T>C. VCF-style: chr6-87257436-T-C. GRCh37 (hg19) VCF-style: chr6-87967154-T-C.
Other names: c.3387T>C, p.Ser1129= (NM_001351444.2).
Identifiers: ClinVar variation 1879669 (VCV001879669.29), dbSNP rs769502246, ClinGen allele CA3914180.
Genomic context (GRCh38, chr6:87,257,436, plus strand): 5'-AGTTCTGCCTTTGAATATTGACAGTGGCTCAGATCCTTTCCTTCCTTTACCTGCAGAAAG[T>C]AGTTCAATGTCTCTCTTCCCTTCACCAGCAGATAGTGGGACTAATTCTGTTTTTTCCCAA-3'
Protein context (NP_055836.1, residues 1259-1279): SDPFLPLPAE[Ser1269=]SSMSLFPSPA

ClinVar aggregate classification (germline): Likely benign (1 of 4 stars; one submission).

Allele frequency attached by ClinVar (database versions not stated): TOPMed 0.00003; gnomAD 0.00004; ExAC 0.00011; gnomAD exomes 0.00013.
gnomAD v4.1: 191 of 1,613,414 alleles (0.012%); highest among the groups gnomAD compares: South Asian, 0.06%; 1 homozygote.

Submission:

CeGaT Center for Human Genetics Tuebingen
Classification: Likely benign. Last evaluated: 2022-12-01. Review status: criteria provided, single submitter. Criteria: CeGaT Center For Human Genetics Tuebingen Variant Classification Criteria Version 2. Collection method: clinical testing. Allele origin: germline. Affected: yes. Observed: 2 variant alleles.
Comment: ZNF292: BP4, BP7